The following is an entry in ClinVar:

NM_000059.4(BRCA2):c.2962G>T (p.Asp988Tyr)

Gene: BRCA2 (BRCA2 DNA repair associated; plus strand). Cytogenetic location: 13q13.1.
Variant type: single nucleotide variant.
Coding change: c.2962G>T on transcript NM_000059.4 (MANE Select); coding-DNA position 2962, G replaced by T.
Protein change: p.Asp988Tyr; replaces aspartic acid 988 with tyrosine.
Molecular consequence: missense variant.
Genome position (GRCh38, 1-based): chr13:32,337,317, G>T. VCF-style: chr13-32337317-G-T. GRCh37 (hg19) VCF-style: chr13-32911454-G-T.
Other names: short protein forms D988Y.
Identifiers: ClinVar variation 652403 (VCV000652403.10), dbSNP rs1593898237, ClinGen allele CA387774466.

ClinVar aggregate classification (germline): Conflicting classifications of pathogenicity. Review status: criteria provided, conflicting classifications (1 of 4 stars). 2 submissions from 2 submitters: Uncertain significance (1); Likely benign (1). Last evaluated 2023-03-23.

Conditions:
Hereditary breast ovarian cancer syndrome. Also called: Breast and ovarian cancer; BRCA1- and BRCA2-Associated Hereditary Breast and Ovarian Cancer; Hereditary breast and ovarian cancer; Hereditary breast and/or ovarian cancer syndrome; Hereditary breast and ovarian cancer syndrome; Hereditary breast and ovarian cancer syndrome (HBOC). Identifiers: Orphanet 145, MedGen C0677776, MeSH D061325, MONDO:0003582. Disease mechanism: loss of function.
Hereditary cancer-predisposing syndrome. Also called: Neoplastic Syndromes, Hereditary; Tumor predisposition; Hereditary Cancer Syndrome; Hereditary neoplastic syndrome. Identifiers: Orphanet 140162, MedGen C0027672, MeSH D009386, MONDO:0015356.

Allele frequency attached by ClinVar (database versions not stated): gnomAD exomes below 0.00001.
gnomAD v4.1: 1 of 1,613,320 alleles (0.000062%); highest among the groups gnomAD compares: South Asian, 0.0011%; no homozygotes.

Submissions (2):

University of Washington Department of Laboratory Medicine, University of Washington
Classification: Likely benign for Hereditary cancer-predisposing syndrome. Last evaluated: 2023-03-23. Review status: criteria provided, single submitter. Criteria: Dines et al. (Genet Med. 2020). Collection method: curation. Allele origin: germline.
Comment: Missense variant in a coldspot region where missense variants are very unlikely to be pathogenic (PMID:31911673).

BRCA2 exon 11 coldspot. Reclassification based on statistical prior probability.

Labcorp Genetics (formerly Invitae), Labcorp
Classification: Uncertain significance for Hereditary breast ovarian cancer syndrome. Last evaluated: 2018-10-15. Review status: criteria provided, single submitter. Criteria: Invitae Variant Classification Sherloc (09022015). Collection method: clinical testing. Allele origin: germline.
Comment: In summary, the available evidence is currently insufficient to determine the role of this variant in disease. Therefore, it has been classified as a Variant of Uncertain Significance. Algorithms developed to predict the effect of missense changes on protein structure and function are either unavailable or do not agree on the potential impact of this missense change (SIFT: "Deleterious"; PolyPhen-2: "Benign"; Align-GVGD: "Class C0"). This variant has not been reported in the literature in individuals with BRCA2-related disease. This variant is not present in population databases (ExAC no frequency). This sequence change replaces aspartic acid with tyrosine at codon 988 of the BRCA2 protein (p.Asp988Tyr). The aspartic acid residue is weakly conserved and there is a large physicochemical difference between aspartic acid and tyrosine.